The following is an entry in ClinVar:

ClinVar aggregate classification (germline): Likely pathogenic (1 of 4 stars; one submission).

Conditions:
BCL11B-related disorder. Also called: BCL11B-Related Disorders.

Submission:

PreventionGenetics, part of Exact Sciences
Classification: Likely pathogenic for BCL11B-related condition. Last evaluated: 2023-04-17. Review status: criteria provided, single submitter. Criteria: ACMG Guidelines, 2015. Collection method: clinical testing. Allele origin: germline.
Comment: The BCL11B c.2382delC variant is predicted to result in a frameshift and premature protein termination (p.Tyr795Thrfs*8). To our knowledge, this variant has not been reported in the literature or in a large population database, indicating this variant is rare. This variant is interpreted as no interpretation set.

NM_138576.4(BCL11B):c.2595del (p.Tyr866fs)

Gene: BCL11B (BCL11 transcription factor B; minus strand). Cytogenetic location: 14q32.2.
Variant type: Deletion.
Coding change: c.2595del on transcript NM_138576.4 (MANE Select); coding-DNA position 2595, one base deleted (C; older notation c.2595delC).
Protein change: p.Tyr866fs; shifts the reading frame from tyrosine 866.
Molecular consequence: frameshift variant.
Genome position (GRCh38, 1-based): chr14:99,174,241, G deleted on the plus strand (C on the coding strand, the reverse complement: BCL11B is on the minus strand). VCF-style (leftmost placement, unchanged base first): chr14-99174240-AG-A. GRCh37 (hg19) VCF-style: chr14-99640577-AG-A.
Other names: c.2592del, p.Tyr865fs (NM_001282237.2); c.2379del, p.Tyr794fs (NM_001282238.2); c.2382del, p.Tyr795fs (NM_022898.3); short protein forms Y794fs, Y795fs, Y865fs, Y866fs.
Identifiers: ClinVar variation 2633130 (VCV002633130.1), dbSNP rs2503635576, ClinGen allele CA2695197221.
Genomic context (GRCh38, chr14:99,174,240, plus strand): 5'-CGTCGTTAGTCAGCAAGTGCTCGCCGTGCCACTTTTTCATGTGTTTCTCCAGGGTGCTGT[AG>A]ACGCTGAAGGGCATCTGGCAGATGTCGCAGCGGTACACCTCCTTGCCGATCTGCCCGTGC-3'